The following is an entry in ClinVar:

NM_020366.4(RPGRIP1):c.2942G>A (p.Arg981Gln)

Gene: RPGRIP1 (RPGR interacting protein 1; plus strand). Cytogenetic location: 14q11.2.
Variant type: single nucleotide variant.
Coding change: c.2942G>A on transcript NM_020366.4 (MANE Select); coding-DNA position 2942, G replaced by A.
Protein change: p.Arg981Gln; replaces arginine 981 with glutamine.
Molecular consequence: missense variant.
Genome position (GRCh38, 1-based): chr14:21,328,470, G>A. VCF-style: chr14-21328470-G-A. GRCh37 (hg19) VCF-style: chr14-21796629-G-A.
Other names: c.920G>A, p.Arg307Gln (NM_001377523.1, NM_001377950.1); c.1868G>A, p.Arg623Gln (NM_001377948.1); c.1028G>A, p.Arg343Gln (NM_001377949.1); c.422G>A, p.Arg141Gln (NM_001377951.1); c.2942G>A (NM_020366.3); short protein forms R141Q, R307Q, R343Q, R623Q, R981Q.
Identifiers: ClinVar variation 1059454 (VCV001059454.8), dbSNP rs376213645, ClinGen allele CA7089381.

ClinVar aggregate classification (germline): Uncertain significance. Review status: criteria provided, multiple submitters, no conflicts (2 of 4 stars). 3 submissions from 3 submitters: Uncertain significance (3). Last evaluated 2026-06-29.

Conditions:
RPGRIP1-related disorder. Also called: RPGRIP1-related condition.
Leber congenital amaurosis 6 (LCA6). Identifiers: Orphanet 65, MedGen C1854260, MONDO:0013446, OMIM 613826.
Cone-rod dystrophy 13 (CORD13). Identifiers: Orphanet 1872, MedGen C2750720, MONDO:0011987, OMIM 608194.

Allele frequency attached by ClinVar (database versions not stated): ExAC 0.00003; gnomAD 0.00014 and 0.00015; ESP Exome Variant Server 0.00017; TOPMed 0.00017.
gnomAD v4.1: 33 of 1,613,568 alleles (0.002%); highest among the groups gnomAD compares: African/African-American, 0.036%; no homozygotes.

Submissions (3):

PreventionGenetics, part of Exact Sciences
Classification: Uncertain significance for RPGRIP1-related condition. Last evaluated: 2026-06-29. Review status: criteria provided, single submitter. Criteria: ACMG Guidelines, 2015. Collection method: clinical testing. Allele origin: germline.
Comment: The RPGRIP1 c.2942G>A variant is predicted to result in the amino acid substitution p.Arg981Gln. To our knowledge, this variant has not been reported in the literature. This variant is reported in 0.033% of alleles in individuals of African descent in gnomAD. At this time, the clinical significance of this variant is uncertain due to the absence of conclusive functional and genetic evidence.

Labcorp Genetics (formerly Invitae), Labcorp
Classification: Uncertain significance for Leber congenital amaurosis 6; Cone-rod dystrophy 13. Last evaluated: 2022-06-20. Review status: criteria provided, single submitter. Criteria: Invitae Variant Classification Sherloc (09022015). Collection method: clinical testing. Allele origin: germline.
Comment: This sequence change replaces arginine, which is basic and polar, with glutamine, which is neutral and polar, at codon 981 of the RPGRIP1 protein (p.Arg981Gln). This variant is present in population databases (rs376213645, gnomAD 0.03%). This variant has not been reported in the literature in individuals affected with RPGRIP1-related conditions. ClinVar contains an entry for this variant (Variation ID: 1059454). Algorithms developed to predict the effect of missense changes on protein structure and function output the following: SIFT: "Tolerated"; PolyPhen-2: "Benign"; Align-GVGD: "Class C0". The glutamine amino acid residue is found in multiple mammalian species, which suggests that this missense change does not adversely affect protein function. In summary, the available evidence is currently insufficient to determine the role of this variant in disease. Therefore, it has been classified as a Variant of Uncertain Significance.

Blueprint Genetics
Classification: Uncertain significance. Last evaluated: 2022-04-20. Review status: criteria provided, single submitter. Criteria: ACMG Guidelines, 2015. Collection method: clinical testing. Allele origin: germline.